The following is an entry in ClinVar:

ClinVar aggregate classification (germline): Conflicting classifications of pathogenicity. Review status: criteria provided, conflicting classifications (1 of 4 stars). 3 submissions from 3 submitters: Uncertain significance (1); Likely benign (2). Last evaluated 2026-07-01.

Conditions:
Cone-rod dystrophy 6 (CORD6). Also called: Cone dystrophy progressive; RETINAL CONE DYSTROPHY 2. Identifiers: Orphanet 1872, MedGen C1866293, MONDO:0011143, OMIM 601777.
Leber congenital amaurosis 1 (LCA1). Also called: RETINAL BLINDNESS, CONGENITAL; Congenital absence of the rods and cones; Leber's congenital tapetoretinal degeneration; Leber's congenital tapetoretinal dysplasia; AMAUROSIS CONGENITA OF LEBER I. Identifiers: Orphanet 65, MedGen C2931258, MONDO:0008764, OMIM 204000.

Allele frequency attached by ClinVar (database versions not stated): gnomAD below 0.00001 and 0.00003; TOPMed below 0.00001; ExAC 0.00005; gnomAD exomes 0.00005 and 0.00010.

Submissions (3):

CeGaT Center for Human Genetics Tuebingen
Classification: Likely benign. Last evaluated: 2026-07-01. Review status: criteria provided, single submitter. Criteria: CeGaT Center For Human Genetics Tuebingen Variant Classification Criteria Version 2. Collection method: clinical testing. Allele origin: germline. Affected: yes. Observed: 1 variant allele.
Comment: GUCY2D: BP4

Labcorp Genetics (formerly Invitae), Labcorp
Classification: Likely benign for Leber congenital amaurosis 1; Cone-rod dystrophy 6. Last evaluated: 2024-03-04. Review status: criteria provided, single submitter. Criteria: Invitae Variant Classification Sherloc (09022015). Collection method: clinical testing. Allele origin: germline.

Eurofins Ntd Llc (ga)
Classification: Uncertain significance. Last evaluated: 2017-03-28. Review status: criteria provided, single submitter. Criteria: EGL Classification Definitions 2015. Collection method: clinical testing. Allele origin: germline. Observed: 1 variant allele, 1 heterozygote.

NM_000180.4(GUCY2D):c.2491C>T (p.Leu831=)

Gene: GUCY2D (guanylate cyclase 2D, retinal; plus strand). Cytogenetic location: 17p13.1.
Variant type: single nucleotide variant.
Coding change: c.2491C>T on transcript NM_000180.4 (MANE Select); coding-DNA position 2491, C replaced by T.
Protein change: p.Leu831=; no amino-acid change (leucine 831 retained).
Molecular consequence: synonymous variant.
Genome position (GRCh38, 1-based): chr17:8,014,679, C>T. VCF-style: chr17-8014679-C-T. GRCh37 (hg19) VCF-style: chr17-7917997-C-T.
Identifiers: ClinVar variation 501107 (VCV000501107.14), dbSNP rs771641368, ClinGen allele CA8366141.